The following is an entry in ClinVar:

NM_144596.4(TTC8):c.799-10T>C

Gene: TTC8 (tetratricopeptide repeat domain 8; plus strand). Cytogenetic location: 14q31.3.
Variant type: single nucleotide variant.
Coding change: c.799-10T>C on transcript NM_144596.4 (MANE Select); 10 bases into the intron before coding-DNA position 799, T replaced by C.
Molecular consequence: intron variant.
Genome position (GRCh38, 1-based): chr14:88,861,212, T>C. VCF-style: chr14-88861212-T-C. GRCh37 (hg19) VCF-style: chr14-89327556-T-C.
Other names: c.205-10T>C (NM_001288782.1); c.847-10T>C (NM_001288781.1); c.769-10T>C (NM_198309.3, NM_001366535.2); c.82-10T>C (NM_001288783.1); c.679-10T>C (NM_198310.3, NM_001366536.2); c.799-10T>C (NM_144596.3).
Identifiers: ClinVar variation 2194233 (VCV002194233.5), dbSNP rs1341658057, ClinGen allele CA615697433.

ClinVar aggregate classification (germline): Likely benign. Review status: criteria provided, multiple submitters, no conflicts (2 of 4 stars). 2 submissions from 2 submitters: Likely benign (2). Last evaluated 2025-02-05.

Conditions:
Bardet-Biedl syndrome (BBS). Identifiers: Orphanet 110, MedGen C0752166, MONDO:0015229.
TTC8-related disorder. Also called: TTC8-related condition.

Allele frequency attached by ClinVar (database versions not stated): gnomAD exomes 0.00001; gnomAD 0.00002; TOPMed 0.00002.
gnomAD v4.1: 23 of 1,574,684 alleles (0.0015%); highest among the groups gnomAD compares: Non-Finnish European, 0.0018%; no homozygotes.

Submissions (2):

PreventionGenetics, part of Exact Sciences
Classification: Likely benign for TTC8-related condition. Last evaluated: 2025-02-05. Review status: criteria provided, single submitter. Criteria: ACMG Guidelines, 2015. Collection method: clinical testing. Allele origin: germline.
Comment: This variant is classified as likely benign based on ACMG/AMP sequence variant interpretation guidelines (Richards et al. 2015 PMID: 25741868, with internal and published modifications).

Labcorp Genetics (formerly Invitae), Labcorp
Classification: Likely benign for Bardet-Biedl syndrome. Last evaluated: 2022-09-13. Review status: criteria provided, single submitter. Criteria: Invitae Variant Classification Sherloc (09022015). Collection method: clinical testing. Allele origin: germline.